The following is an entry in ClinVar:

NM_001083619.3(GRIA2):c.2435A>G (p.Asn812Ser)

Gene: GRIA2 (glutamate ionotropic receptor AMPA type subunit 2; plus strand). Cytogenetic location: 4q32.1.
Variant type: single nucleotide variant.
Coding change: c.2435A>G on transcript NM_001083619.3 (MANE Select); coding-DNA position 2435, A replaced by G.
Protein change: p.Asn812Ser; replaces asparagine 812 with serine.
Molecular consequence: missense variant.
Genome position (GRCh38, 1-based): chr4:157,362,827, A>G. VCF-style: chr4-157362827-A-G. GRCh37 (hg19) VCF-style: chr4-158283979-A-G.
Other names: c.2435A>G, p.Asn812Ser (NM_000826.6); c.2294A>G, p.Asn765Ser (NM_001083620.3, NM_001379000.3, NM_001379001.3); short protein forms N765S, N812S.
Identifiers: ClinVar variation 1064417 (VCV001064417.1), dbSNP rs2127004559, ClinGen allele CA358650966.

ClinVar aggregate classification (germline): Likely pathogenic (1 of 4 stars; one submission).

Conditions:
Neurodevelopmental disorder with language impairment and behavioral abnormalities. Also called: GRIA2-related neurodevelopmental disorder. Identifiers: MedGen C5394502, MONDO:0030060, OMIM 618917.

Submission:

SIB Swiss Institute of Bioinformatics
Classification: Likely pathogenic for Neurodevelopmental disorder with language impairment and behavioral abnormalities. Last evaluated: 2021-04-01. Review status: criteria provided, single submitter. Criteria: ACMG Guidelines, 2015. Collection method: curation. Allele origin: unknown.
Comment: This variant is interpreted as likely pathogenic for Neurodevelopmental disorder with language impairment and behavioral abnormalities, autosomal dominant. The following ACMG Tag(s) were applied: Absent from controls (or at extremely low frequency if recessive) in Exome Sequencing Project, 1000 Genomes Project, or Exome Aggregation Consortium (PM2); De novo (paternity and maternity confirmed) (PS2 downgraded to moderate); Missense variant in a gene that has a low rate of benign missense variation and in which missense variants are a common mechanism of disease (PP2); Multiple lines of computational evidence support a deleterious effect on the gene or gene product (PP3).

Literature cited by the submitters: PubMed 31300657.